The following is an entry in ClinVar:

ClinVar aggregate classification (germline): Likely pathogenic (1 of 4 stars; one submission).

Submission:

Labcorp Genetics (formerly Invitae), Labcorp
Classification: Likely pathogenic. Last evaluated: 2022-02-24. Review status: criteria provided, single submitter. Criteria: Invitae Variant Classification Sherloc (09022015). Collection method: clinical testing. Allele origin: germline.
Comment: In summary, the currently available evidence indicates that the variant is pathogenic, but additional data are needed to prove that conclusively. Therefore, this variant has been classified as Likely Pathogenic. Algorithms developed to predict the effect of sequence changes on RNA splicing suggest that this variant may disrupt the consensus splice site. This variant has not been reported in the literature in individuals affected with TRAPPC9-related conditions. This variant is not present in population databases (gnomAD no frequency). This sequence change affects a donor splice site in intron 15 of the TRAPPC9 gene. It is expected to disrupt RNA splicing. Variants that disrupt the donor or acceptor splice site typically lead to a loss of protein function (PMID: 16199547), and loss-of-function variants in TRAPPC9 are known to be pathogenic (PMID: 2000476, 20004763, 20004764).

Literature cited by the submitters: PubMed 16199547; PubMed 2000476; PubMed 20004763; PubMed 20004764.

NM_001160372.4(TRAPPC9):c.2278+1G>T

Gene: TRAPPC9 (trafficking protein particle complex subunit 9; minus strand). Cytogenetic location: 8q24.3.
Variant type: single nucleotide variant.
Coding change: c.2278+1G>T on transcript NM_001160372.4 (MANE Select); the canonical splice donor site of the intron after coding-DNA position 2278, G replaced by T.
Molecular consequence: splice donor variant.
Genome position (GRCh38, 1-based): chr8:140,275,657, C>A on the plus strand (G>T on the coding strand, the complement: TRAPPC9 is on the minus strand). VCF-style: chr8-140275657-C-A. GRCh37 (hg19) VCF-style: chr8-141285756-C-A.
Other names: c.2278+1G>T (NM_031466.8, NM_001374683.1); c.2251+1G>T (NM_001321646.2); c.2134+1G>T (NM_001374684.1); c.2299+1G>T (NM_001374682.1).
Identifiers: ClinVar variation 2102897 (VCV002102897.4), dbSNP rs2539376880, ClinGen allele CA372739056.